The following is an entry in ClinVar:

ClinVar aggregate classification (germline): Uncertain significance. Review status: criteria provided, multiple submitters, no conflicts (2 of 4 stars). 2 submissions from 2 submitters: Uncertain significance (2). Last evaluated 2026-02-06.

Conditions:
Bloom syndrome (BLM). Also called: Bloom-Torre-Machacek syndrome. Identifiers: Orphanet 125, MedGen C0005859, MONDO:0008876, OMIM 210900.

Submissions (2):

Women's Health and Genetics/Laboratory Corporation of America, LabCorp
Classification: Uncertain significance. Last evaluated: 2026-02-06. Review status: criteria provided, single submitter. Criteria: LabCorp Variant Classification Summary - May 2015. Collection method: clinical testing. Allele origin: germline.

Labcorp Genetics (formerly Invitae), Labcorp
Classification: Uncertain significance for Bloom syndrome. Last evaluated: 2020-11-03. Review status: criteria provided, single submitter. Criteria: Invitae Variant Classification Sherloc (09022015). Collection method: clinical testing. Allele origin: germline.
Comment: This variant has not been reported in the literature in individuals with BLM-related conditions. This variant is not present in population databases (ExAC no frequency). This sequence change replaces glutamine with histidine at codon 224 of the BLM protein (p.Gln224His). The glutamine residue is weakly conserved and there is a small physicochemical difference between glutamine and histidine. In summary, the available evidence is currently insufficient to determine the role of this variant in disease. Therefore, it has been classified as a Variant of Uncertain Significance. Algorithms developed to predict the effect of missense changes on protein structure and function are either unavailable or do not agree on the potential impact of this missense change (SIFT: "Tolerated"; PolyPhen-2: "Possibly Damaging"; Align-GVGD: "Class C0").

NM_000057.4(BLM):c.672G>C (p.Gln224His)

Gene: BLM (BLM RecQ like helicase; plus strand). Cytogenetic location: 15q26.1.
Variant type: single nucleotide variant.
Coding change: c.672G>C on transcript NM_000057.4 (MANE Select); coding-DNA position 672, G replaced by C.
Protein change: p.Gln224His; replaces glutamine 224 with histidine.
Molecular consequence: missense variant. On other transcripts: 5 prime UTR variant (1).
Genome position (GRCh38, 1-based): chr15:90,749,940, G>C. VCF-style: chr15-90749940-G-C. GRCh37 (hg19) VCF-style: chr15-91293170-G-C.
Other names: c.672G>C, p.Gln224His (NM_001287246.2, NM_001287247.2); c.-620G>C (NM_001287248.2); short protein forms Q224H.
Identifiers: ClinVar variation 1524651 (VCV001524651.9), dbSNP rs1596219135, ClinGen allele CA393841301.